The following is an entry in ClinVar:

ClinVar aggregate classification (germline): Pathogenic (1 of 4 stars; one submission).

Submission:

Labcorp Genetics (formerly Invitae), Labcorp
Classification: Pathogenic. Last evaluated: 2024-02-05. Review status: criteria provided, single submitter. Criteria: Invitae Variant Classification Sherloc (09022015). Collection method: clinical testing. Allele origin: germline.
Comment: This sequence change creates a premature translational stop signal (p.Tyr294*) in the NEXMIF gene. It is expected to result in an absent or disrupted protein product. Loss-of-function variants in NEXMIF are known to be pathogenic (PMID: 23615299). This variant is not present in population databases (gnomAD no frequency). This premature translational stop signal has been observed in individual(s) with NEXMIF-related conditions (PMID: 33144681). For these reasons, this variant has been classified as Pathogenic.

Literature cited by the submitters: PubMed 23615299; PubMed 33144681.

NM_001008537.3(NEXMIF):c.882C>A (p.Tyr294Ter)

Gene: NEXMIF (neurite extension and migration factor; minus strand). Cytogenetic location: Xq13.3.
Variant type: single nucleotide variant.
Coding change: c.882C>A on transcript NM_001008537.3 (MANE Select); coding-DNA position 882, C replaced by A.
Protein change: p.Tyr294Ter; replaces tyrosine 294 with a stop codon.
Molecular consequence: nonsense.
Genome position (GRCh38, 1-based): chrX:74,743,675, G>T on the plus strand (C>A on the coding strand, the complement: NEXMIF is on the minus strand). VCF-style: chrX-74743675-G-T. GRCh37 (hg19) VCF-style: chrX-73963510-G-T.
Other names: short protein forms Y294*.
Identifiers: ClinVar variation 2780472 (VCV002780472.3), dbSNP rs2080115875, ClinGen allele CA413672156.
Genomic context (GRCh38, chrX:74,743,675, plus strand): 5'-ATATCGAATTTTCAGGGAGCAGACATCACTGCCTAGTGTTGATTCATCATCATCAAACAT[G>T]TAGTTATCCACATCTTCTTCAGAGAATAGGTTGACAGACAGCTCATTTTTGGAACAGAGG-3'